The following is an entry in ClinVar:

NM_000785.4(CYP27B1):c.480_481dup (p.Val161fs)

Gene: CYP27B1 (cytochrome P450 family 27 subfamily B member 1; minus strand). Cytogenetic location: 12q14.1.
Variant type: Duplication.
Coding change: c.480_481dup on transcript NM_000785.4 (MANE Select); coding-DNA positions 480 to 481, 2 bases duplicated (CG; older notation c.480_481dupCG).
Protein change: p.Val161fs; shifts the reading frame from valine 161.
Molecular consequence: frameshift variant.
Genome position (GRCh38, 1-based): chr12:57,765,405-57,765,406, CG duplicated on the plus strand (CG on the coding strand, the reverse complement: CYP27B1 is on the minus strand). VCF-style (leftmost placement, unchanged base first): chr12-57765404-A-ACG. GRCh37 (hg19) VCF-style: chr12-58159187-A-ACG.
Other names: short protein forms V161fs.
Identifiers: ClinVar variation 3382458 (VCV003382458.2).

ClinVar aggregate classification (germline): Likely pathogenic (1 of 4 stars; one submission).

Conditions:
Vitamin D-dependent rickets, type 1A. Also called: VITAMIN D HYDROXYLATION-DEFICIENT RICKETS, TYPE 1A; PDDR IA; PSEUDOVITAMIN D-DEFICIENCY RICKETS, TYPE IA. Identifiers: MedGen CN283242, MONDO:0020723, OMIM 264700.

Submission:

Juno Genomics, Hangzhou Juno Genomics, Inc
Classification: Likely pathogenic for Vitamin D-dependent rickets, type 1A. Review status: criteria provided, single submitter. Criteria: ACMG Guidelines, 2015. Collection method: clinical testing. Allele origin: germline. Affected: yes.
Comment: Absent from controls (or at extremely low frequency if recessive) in Genome Aggregation Database, Exome Sequencing Project, 1000 Genomes Project, or Exome Aggregation Consortium.;Null variant in a gene where loss of function (LOF) is a known mechanism of disease.